The following is an entry in ClinVar:

NM_000038.6(APC):c.1958G>A (p.Arg653Lys)

Gene: APC (APC regulator of Wnt signaling pathway; plus strand). Cytogenetic location: 5q22.2.
Variant type: single nucleotide variant.
Coding change: c.1958G>A on transcript NM_000038.6 (MANE Select); coding-DNA position 1958, G replaced by A.
Protein change: p.Arg653Lys; replaces arginine 653 with lysine.
Molecular consequence: missense variant.
Genome position (GRCh38, 1-based): chr5:112,835,165, G>A. VCF-style: chr5-112835165-G-A. GRCh37 (hg19) VCF-style: chr5-112170862-G-A.
Other names: c.1958G>A, p.Arg653Lys (NM_001127510.3, NM_001354895.2); c.1904G>A, p.Arg635Lys (NM_001127511.3); c.2012G>A, p.Arg671Lys (NM_001354896.2); c.1988G>A, p.Arg663Lys (NM_001354897.2); c.1883G>A, p.Arg628Lys (NM_001354898.2); c.1874G>A, p.Arg625Lys (NM_001354899.2); c.1835G>A, p.Arg612Lys (NM_001354900.2); c.1781G>A, p.Arg594Lys (NM_001354901.2); and 5 more; short protein forms R635K, R653K, R370K, R552K, R628K, R594K, R625K, R663K.
Identifiers: ClinVar variation 428128 (VCV000428128.18), dbSNP rs1060503318, ClinGen allele CA16025596.
Genomic context (GRCh38, chr5:112,835,165, plus strand): 5'-AAAGTGGAGGTGGGATATTACGGAATGTGTCCAGCTTGATAGCTACAAATGAGGACCACA[G>A]GTATATATAGAGTTTTATATTACTTTTAAAGTACAGAATTCATACTCTCAAAAAGACCTA-3'
Protein context (NP_000029.2, residues 643-663): SSLIATNEDH[Arg653Lys]QILRENNCLQ

ClinVar aggregate classification (germline): Pathogenic. Review status: criteria provided, multiple submitters, no conflicts (2 of 4 stars). 4 submissions from 4 submitters: Pathogenic (3). 1 of the submissions does not count toward it. Last evaluated 2025-11-14.

Conditions:
Hereditary cancer-predisposing syndrome. Also called: Hereditary neoplastic syndrome; Hereditary Cancer Syndrome; Tumor predisposition; Neoplastic Syndromes, Hereditary. Identifiers: Orphanet 140162, MedGen C0027672, MeSH D009386, MONDO:0015356.
Familial adenomatous polyposis 1 (FAP1). Also called: FAMILIAL ADENOMATOUS POLYPOSIS 1, ATTENUATED; POLYPOSIS, ADENOMATOUS INTESTINAL. Identifiers: MedGen C2713442, MONDO:0021056, OMIM 175100. Disease mechanism: loss of function.
Carcinoma of colon (CRC). Also called: Colon carcinoma; Colonic carcinoma. Identifiers: MedGen C0699790, MONDO:0002032.

Submissions (4):

Ambry Genetics
Classification: Pathogenic for Hereditary cancer-predisposing syndrome. Last evaluated: 2025-11-14. Review status: criteria provided, single submitter. Criteria: Ambry Variant Classification Scheme 2023. Collection method: clinical testing. Allele origin: germline.
Comment: The c.1958G>A pathogenic variant (also known as p.R653K) is located in coding exon 14 of the APC gene. This variant results from a G to A substitution at nucleotide position 1958. The amino acid change results in arginine to lysine at codon 653, an amino acid with highly similar properties. This change occurs in the last base pair of coding exon 14, which makes it likely to have some effect on normal mRNA splicing. In silico splice site analysis predicts that this alteration will weaken the native splice donor site. This variant, as well as a close match alteration, c.1958G>T, were reported in individual(s) with features consistent with APC-related adenomatous polyposis (Azzopardi D et al. Cancer Res. 2008 Jan 15;68(2):358-63; Minde DP et al. Mol Cancer. 2011 Aug 22;10:101; Ambry internal data). RNA studies have demonstrated that this alteration, as well as a close match alteration, c.1958G>T, results in abnormal splicing in the set of samples tested (Lagarde A et al. J. Med. Genet. 2010 Oct;47:721-2; Ambry internal data). This variant is considered to be rare based on population cohorts in the Genome Aggregation Database (gnomAD). Based on the supporting evidence, this alteration is interpreted as a disease-causing mutation.

Labcorp Genetics (formerly Invitae), Labcorp
Classification: Pathogenic for Familial adenomatous polyposis 1. Last evaluated: 2025-06-03. Review status: criteria provided, single submitter. Criteria: Invitae Variant Classification Sherloc (09022015). Collection method: clinical testing. Allele origin: germline.
Comment: This sequence change affects codon 653 of the APC mRNA. It is a 'silent' change, meaning that it does not change the encoded amino acid sequence of the APC protein. RNA analysis indicates that this variant induces altered splicing and likely disrupts the C-terminus of the protein. This variant is not present in population databases (gnomAD no frequency). This variant has been observed in individuals with familial adenomatous polyposis and colorectal cancer (PMID: 18199528, 20685668, 24599579, 25590978). ClinVar contains an entry for this variant (Variation ID: 428128). An algorithm developed to predict the effect of missense changes on protein structure and function (PolyPhen-2) suggests that this variant is likely to be disruptive. Variants that disrupt the consensus splice site are a relatively common cause of aberrant splicing (PMID: 17576681, 9536098). Studies have shown that this variant results in skipping of exon 15 (also known as exon 14) and introduces a new termination codon (PMID: 20685668, 24599579). However the mRNA is not expected to undergo nonsense-mediated decay. For these reasons, this variant has been classified as Pathogenic.

Quest Diagnostics Nichols Institute San Juan Capistrano
Classification: Pathogenic. Last evaluated: 2020-10-08. Review status: criteria provided, single submitter. Criteria: Quest Diagnostics criteria. Collection method: clinical testing. Allele origin: unknown.
Comment: This variant has been reported in in individuals with colorectal adenomas in the published literature (PMIDs: 18199528 (2008) and 20685668 (2010)). This variant also causes exon 15 skipping (PMID: 20685668 (2010)). Additional analysis using software algorithms for the prediction of the effect of nucleotide changes on splicing yielded predictions that this variant may affect proper APC mRNA splicing . Therefore, the variant is classified as pathogenic.

Department of Pathology and Laboratory Medicine, Sinai Health System
Classification: Pathogenic for Carcinoma of colon. Review status: no assertion criteria provided. Collection method: clinical testing. Allele origin: unknown. Affected: yes. Study: The Canadian Open Genetics Repository (COGR). Not counted in ClinVar's aggregate classification.
Comment: The APC p.Arg653Lys variant was identified in 7 of 15446 proband chromosomes (frequency: 0.0005) from individuals or families with familial colorectal adenomas and colorectal cancer and was not identified in 1938 control chromosomes from healthy individuals (Azzopardi 2008, Inra 2015, Lagarde 2010). The variant was also identified in ClinVar (classified as pathogenic by Invitae; as likely pathogenic by Ambry Genetics), Cosmic (4x in large intestine), LOVD 3.0 (1x as affects function), and in UMD-LSDB (8x causal) databases. The variant was not identified in dbSNP, COGR, MutDB, or Zhejiang University databases. The variant was not identified in the following control databases: the 1000 Genomes Project, the NHLBI GO Exome Sequencing Project, the Exome Aggregation Consortium (August 8th 2016), or the Genome Aggregation Database (Feb 27, 2017). The p.Arg653 residue is conserved across mammals and other organisms, and computational analyses (PolyPhen-2, SIFT, AlignGVGD, BLOSUM, MutationTaster) suggest that the variant may impact the protein; however, this information is not predictive enough to assume pathogenicity. The p.Arg653Lys variant occurs in the last three bases of the exon. This position has been shown to be part of the splicing consensus sequence and variants involving this position sometimes affect splicing. In addition, 5 of 5 in silico or computational prediction software programs (SpliceSiteFinder, MaxEntScan, NNSPLICE, GeneSplicer, HumanSpliceFinder) predict a greater than 10% difference in splicing. In addition, in vitro analysis by RT-PCR and ex vivo analysis by Splicing reporter minigene pCAS, showed major loss of exon 14 during splicing (Grandval 2014). In summary, based on the above information this variant meets our laboratoryâ€šÃ„Ã´s criteria to be classified as pathogenic.

Literature cited by the submitters: PubMed 20685668 (cited by 3 submitters); PubMed 18199528 (cited by Labcorp Genetics (formerly Invitae), Labcorp and Quest Diagnostics Nichols Institute San Juan Capistrano); PubMed 24599579 (cited by Labcorp Genetics (formerly Invitae), Labcorp and Quest Diagnostics Nichols Institute San Juan Capistrano); PubMed 25590978 (cited by Labcorp Genetics (formerly Invitae), Labcorp and Quest Diagnostics Nichols Institute San Juan Capistrano); PubMed 17576681 (cited by Labcorp Genetics (formerly Invitae), Labcorp); PubMed 9536098 (cited by Labcorp Genetics (formerly Invitae), Labcorp); PubMed 19444466 (cited by Quest Diagnostics Nichols Institute San Juan Capistrano); PubMed 21859464 (cited by Quest Diagnostics Nichols Institute San Juan Capistrano).